The following is an entry in ClinVar:

NM_001148.6(ANK2):c.11757G>C (p.Met3919Ile)

Gene: ANK2 (ankyrin 2; plus strand). Cytogenetic location: 4q26.
Variant type: single nucleotide variant.
Coding change: c.11757G>C on transcript NM_001148.6 (MANE Select); coding-DNA position 11757, G replaced by C.
Protein change: p.Met3919Ile; replaces methionine 3919 with isoleucine.
Molecular consequence: missense variant. On other transcripts: intron variant (9).
Genome position (GRCh38, 1-based): chr4:113,373,347, G>C. VCF-style: chr4-113373347-G-C. GRCh37 (hg19) VCF-style: chr4-114294503-G-C.
Other names: c.5580G>C, p.Met1860Ile (NM_001354237.2); c.5565G>C, p.Met1855Ile (NM_001354239.2); c.5547G>C, p.Met1849Ile (NM_001354240.2, NM_001354241.2); c.5544G>C, p.Met1848Ile (NM_001354242.2); c.5532G>C, p.Met1844Ile (NM_001354243.2, NM_001386143.1); c.5529G>C, p.Met1843Ile (NM_001354244.2); c.5340G>C, p.Met1780Ile (NM_001354245.2, NM_001354262.2); c.5499G>C, p.Met1833Ile (NM_001354246.2); and 50 more; short protein forms M1017I, M1706I, M1761I, M1772I, M1780I, M1789I, M1801I, M1817I.
Identifiers: ClinVar variation 1437905 (VCV001437905.6), dbSNP rs774756538, ClinGen allele CA357943648.
Genomic context (GRCh38, chr4:113,373,347, plus strand): 5'-TACTAGGAAAATCATTAGGCGGTATGTATCCTCTGAAGGCACAGAGAAAGAAGAGATTAT[G>C]GTGCAGGGAATGCCACAGGAACCTGTCAACATCGAGGAAGGGGATGGCTATTCCAAAGTT-3'
Protein context (NP_001139.3, residues 3909-3929): SSEGTEKEEI[Met3919Ile]VQGMPQEPVN

ClinVar aggregate classification (germline): Uncertain significance (1 of 4 stars; one submission).

Conditions:
Long QT syndrome (LQTS). Identifiers: MedGen C0023976, MeSH D008133, MONDO:0002442. Disease mechanism: loss of function. Inheritance: Various modes of inheritance.

Submission:

Labcorp Genetics (formerly Invitae), Labcorp
Classification: Uncertain significance for Long QT syndrome. Last evaluated: 2021-09-14. Review status: criteria provided, single submitter. Criteria: Invitae Variant Classification Sherloc (09022015). Collection method: clinical testing. Allele origin: germline.
Comment: This sequence change replaces methionine with isoleucine at codon 3919 of the ANK2 protein (p.Met3919Ile). The methionine residue is weakly conserved and there is a small physicochemical difference between methionine and isoleucine. This variant is not present in population databases (ExAC no frequency). This variant has not been reported in the literature in individuals affected with ANK2-related conditions. Algorithms developed to predict the effect of missense changes on protein structure and function (SIFT, PolyPhen-2, Align-GVGD) all suggest that this variant is likely to be tolerated. In summary, the available evidence is currently insufficient to determine the role of this variant in disease. Therefore, it has been classified as a Variant of Uncertain Significance.